The following is an entry in ClinVar:

NM_001267550.2(TTN):c.14452dup (p.Val4818fs)

Gene: TTN (titin; minus strand). Cytogenetic location: 2q31.2.
Variant type: Duplication.
Coding change: c.14452dup on transcript NM_001267550.2 (MANE Select); coding-DNA position 14452, one base duplicated (G; older notation c.14452dupG).
Protein change: p.Val4818fs; shifts the reading frame from valine 4818.
Molecular consequence: frameshift variant. On other transcripts: intron variant (3).
Genome position (GRCh38, 1-based): chr2:178,735,994, C duplicated on the plus strand (G on the coding strand, the reverse complement: TTN is on the minus strand). VCF-style (leftmost placement, unchanged base first): chr2-178735993-A-AC. GRCh37 (hg19) VCF-style: chr2-179600720-A-AC.
Other names: c.13501dup, p.Val4501fs (NM_001256850.1); c.10720dup, p.Val3574fs (NM_133378.4); c.13282+2088dup (NM_003319.4); c.13858+2088dup (NM_133437.4); c.13657+2088dup (NM_133432.3); short protein forms V4501fs, V4818fs, V3574fs.
Identifiers: ClinVar variation 1485129 (VCV001485129.8), dbSNP rs2154314529, ClinGen allele CA2573133979.

ClinVar aggregate classification (germline): Likely pathogenic (1 of 4 stars; one submission).

Conditions:
Dilated cardiomyopathy 1G (CMD1G). Identifiers: Orphanet 154, MedGen C1858763, MONDO:0011400, OMIM 604145.
Autosomal recessive limb-girdle muscular dystrophy type 2J (LGMDR10). Also called: Limb-girdle muscular dystrophy, type 2J; MUSCULAR DYSTROPHY, LIMB-GIRDLE, AUTOSOMAL RECESSIVE 10. Identifiers: Orphanet 140922, MedGen C1837342, MONDO:0012127, OMIM 608807.

Submission:

Labcorp Genetics (formerly Invitae), Labcorp
Classification: Likely pathogenic for Dilated cardiomyopathy 1G; Autosomal recessive limb-girdle muscular dystrophy type 2J. Last evaluated: 2024-10-18. Review status: criteria provided, single submitter. Criteria: Invitae Variant Classification Sherloc (09022015). Collection method: clinical testing. Allele origin: germline.
Comment: This sequence change creates a premature translational stop signal (p.Val4818Glyfs*23) in the TTN gene. While this is not anticipated to result in nonsense mediated decay, it is expected to create a truncated TTN protein. This variant is not present in population databases (gnomAD no frequency). This variant has not been reported in the literature in individuals affected with TTN-related conditions. ClinVar contains an entry for this variant (Variation ID: 1485129). This variant is located in the I band of TTN (PMID: 25589632). Truncating variants in this region have been reported in individuals affected with autosomal recessive centronuclear myopathy (PMID: 23975875, internal data). Truncating variants in this region have also been identified in individuals affected with autosomal dominant dilated cardiomyopathy and/or cardio-related conditions (PMID: 27869827, 32964742, internal data). In summary, the currently available evidence indicates that the variant is pathogenic, but additional data are needed to prove that conclusively. Therefore, this variant has been classified as Likely Pathogenic.

Literature cited by the submitters: PubMed 25589632; PubMed 23975875; PubMed 27869827; PubMed 32964742.